The following is an entry in ClinVar:

ClinVar aggregate classification (germline): Benign/Likely benign. Review status: criteria provided, multiple submitters, no conflicts (2 of 4 stars). 4 submissions from 4 submitters: Benign (1); Likely benign (3). Last evaluated 2026-06-05.

Conditions:
Gastrointestinal stromal tumor. Also called: Gastrointestinal stromal tumor, somatic; Gastrointestinal stroma tumor. Identifiers: Orphanet 44890, MedGen C0238198, MeSH D046152, MONDO:0011719, OMIM 606764, HP:0100723.
Hereditary cancer-predisposing syndrome. Also called: Hereditary neoplastic syndrome; Tumor predisposition; Neoplastic Syndromes, Hereditary; Hereditary Cancer Syndrome. Identifiers: Orphanet 140162, MedGen C0027672, MeSH D009386, MONDO:0015356.

Allele frequency attached by ClinVar (database versions not stated): gnomAD 0.00001; gnomAD exomes 0.00001; TOPMed 0.00001.
gnomAD v4.1: 11 of 1,613,868 alleles (0.00068%); highest among the groups gnomAD compares: South Asian, 0.0077%; no homozygotes.

Submissions (4):

Myriad Genetics, Inc.
Classification: Benign for Gastrointestinal stromal tumor. Last evaluated: 2026-06-05. Review status: criteria provided, single submitter. Criteria: Myriad Autosomal Dominant, Autosomal Recessive and X-Linked Classification Criteria (2023). Collection method: clinical testing. Allele origin: unknown.
Comment: This variant is considered benign. This variant is a silent/synonymous amino acid change and it is not expected to impact splicing.

Labcorp Genetics (formerly Invitae), Labcorp
Classification: Likely benign for Gastrointestinal stromal tumor. Last evaluated: 2026-01-18. Review status: criteria provided, single submitter. Criteria: Invitae Variant Classification Sherloc (09022015). Collection method: clinical testing. Allele origin: germline.

Ambry Genetics
Classification: Likely benign for Hereditary cancer-predisposing syndrome. Last evaluated: 2023-07-06. Review status: criteria provided, single submitter. Criteria: Ambry Variant Classification Scheme 2023. Collection method: clinical testing. Allele origin: germline.

Blueprint Genetics
Classification: Likely benign. Last evaluated: 2023-04-13. Review status: criteria provided, single submitter. Criteria: ACMG Guidelines, 2015. Collection method: clinical testing. Allele origin: germline.

NM_000222.3(KIT):c.2922C>T (p.Asp974=)

Gene: KIT (KIT proto-oncogene, receptor tyrosine kinase; plus strand). Cytogenetic location: 4q12.
Variant type: single nucleotide variant.
Coding change: c.2922C>T on transcript NM_000222.3 (MANE Select); coding-DNA position 2922, C replaced by T.
Protein change: p.Asp974=; no amino-acid change (aspartic acid 974 retained).
Molecular consequence: synonymous variant.
Genome position (GRCh38, 1-based): chr4:54,738,548, C>T. VCF-style: chr4-54738548-C-T. GRCh37 (hg19) VCF-style: chr4-55604714-C-T.
Other names: c.2910C>T, p.Asp970= (NM_001093772.2, NM_001385292.1); c.2925C>T, p.Asp975= (NM_001385284.1); c.2919C>T, p.Asp973= (NM_001385285.1); c.2907C>T, p.Asp969= (NM_001385286.1); c.2913C>T, p.Asp971= (NM_001385288.1); c.2922C>T, p.Asp974= (NM_001385290.1).
Identifiers: ClinVar variation 528644 (VCV000528644.15), dbSNP rs1401923759, ClinGen allele CA439292298.